The following is an entry in ClinVar:

ClinVar aggregate classification (germline): Uncertain significance (1 of 4 stars; one submission).

Submission:

Labcorp Genetics (formerly Invitae), Labcorp
Classification: Uncertain significance. Last evaluated: 2023-06-13. Review status: criteria provided, single submitter. Criteria: Invitae Variant Classification Sherloc (09022015). Collection method: clinical testing. Allele origin: germline.
Comment: In summary, the available evidence is currently insufficient to determine the role of this variant in disease. Therefore, it has been classified as a Variant of Uncertain Significance. Algorithms developed to predict the effect of sequence changes on RNA splicing suggest that this variant may disrupt the consensus splice site. Advanced modeling of protein sequence and biophysical properties (such as structural, functional, and spatial information, amino acid conservation, physicochemical variation, residue mobility, and thermodynamic stability) performed at Invitae indicates that this missense variant is not expected to disrupt CYP4V2 protein function. ClinVar contains an entry for this variant (Variation ID: 1470954). This variant has not been reported in the literature in individuals affected with CYP4V2-related conditions. This variant is not present in population databases (gnomAD no frequency). This sequence change replaces aspartic acid, which is acidic and polar, with tyrosine, which is neutral and polar, at codon 356 of the CYP4V2 protein (p.Asp356Tyr).

NM_207352.4(CYP4V2):c.1066G>T (p.Asp356Tyr)

Gene: CYP4V2 (cytochrome P450 family 4 subfamily V member 2; plus strand). Cytogenetic location: 4q35.2.
Variant type: single nucleotide variant.
Coding change: c.1066G>T on transcript NM_207352.4 (MANE Select); coding-DNA position 1066, G replaced by T.
Protein change: p.Asp356Tyr; replaces aspartic acid 356 with tyrosine.
Molecular consequence: missense variant.
Genome position (GRCh38, 1-based): chr4:186,205,278, G>T. VCF-style: chr4-186205278-G-T. GRCh37 (hg19) VCF-style: chr4-187126432-G-T.
Other names: short protein forms D356Y.
Identifiers: ClinVar variation 1470954 (VCV001470954.8), dbSNP rs2126595542, ClinGen allele CA358949457.